The following is an entry in ClinVar:

ClinVar aggregate classification (germline): Uncertain significance (1 of 4 stars; one submission).

Conditions:
Kleefstra syndrome 1 (KLEFS1). Identifiers: Orphanet 261494, MedGen C0795833, MONDO:0027407, OMIM 610253.

Allele frequency attached by ClinVar (database versions not stated): TOPMed below 0.00001.

Submission:

Labcorp Genetics (formerly Invitae), Labcorp
Classification: Uncertain significance for Kleefstra syndrome 1. Last evaluated: 2020-02-22. Review status: criteria provided, single submitter. Criteria: Invitae Variant Classification Sherloc (09022015). Collection method: clinical testing. Allele origin: germline.
Comment: This sequence change replaces glycine with aspartic acid at codon 672 of the EHMT1 protein (p.Gly672Asp). The glycine residue is moderately conserved and there is a moderate physicochemical difference between glycine and aspartic acid. This variant is not present in population databases (ExAC no frequency). This variant has not been reported in the literature in individuals with EHMT1-related disease. Algorithms developed to predict the effect of missense changes on protein structure and function (SIFT, PolyPhen-2, Align-GVGD) all suggest that this variant is likely to be tolerated, but these predictions have not been confirmed by published functional studies and their clinical significance is uncertain. In summary, the available evidence is currently insufficient to determine the role of this variant in disease. Therefore, it has been classified as a Variant of Uncertain Significance.

NM_024757.5(EHMT1):c.2015G>A (p.Gly672Asp)

Gene: EHMT1 (euchromatic histone lysine methyltransferase 1; plus strand). Cytogenetic location: 9q34.3.
Variant type: single nucleotide variant.
Coding change: c.2015G>A on transcript NM_024757.5 (MANE Select); coding-DNA position 2015, G replaced by A.
Protein change: p.Gly672Asp; replaces glycine 672 with aspartic acid.
Molecular consequence: missense variant.
Genome position (GRCh38, 1-based): chr9:137,776,841, G>A. VCF-style: chr9-137776841-G-A. GRCh37 (hg19) VCF-style: chr9-140671293-G-A.
Other names: c.2015G>A, p.Gly672Asp (NM_001145527.2); c.1922G>A, p.Gly641Asp (NM_001354259.2); c.1994G>A, p.Gly665Asp (NM_001354263.2); short protein forms G641D, G672D, G665D.
Identifiers: ClinVar variation 652033 (VCV000652033.9), dbSNP rs1588650182, ClinGen allele CA375777061.